The following is an entry in ClinVar:

ClinVar aggregate classification (germline): Uncertain significance (1 of 4 stars; one submission).

Submission:

Ambry Genetics
Classification: Uncertain significance. Last evaluated: 2025-08-09. Review status: criteria provided, single submitter. Criteria: Ambry Variant Classification Scheme 2023. Collection method: clinical testing. Allele origin: germline.
Comment: The p.A564V variant (also known as c.1691C>T), located in coding exon 7 of the WNK2 gene, results from a C to T substitution at nucleotide position 1691. The alanine at codon 564 is replaced by valine, an amino acid with similar properties. This amino acid position is conserved. In addition, this alteration is predicted to be tolerated by in silico analysis. Based on the available evidence, the clinical significance of this variant remains unclear.

NM_006648.4(WNK2):c.1691C>T (p.Ala564Val)

Gene: WNK2 (WNK lysine deficient protein kinase 2; plus strand). Cytogenetic location: 9q22.31.
Variant type: single nucleotide variant.
Coding change: c.1691C>T on transcript NM_006648.4 (MANE Select); coding-DNA position 1691, C replaced by T.
Protein change: p.Ala564Val; replaces alanine 564 with valine.
Molecular consequence: missense variant.
Genome position (GRCh38, 1-based): chr9:93,247,691, C>T. VCF-style: chr9-93247691-C-T. GRCh37 (hg19) VCF-style: chr9-96009973-C-T.
Other names: c.1691C>T, p.Ala564Val (NM_001282394.3); short protein forms A564V.
Identifiers: ClinVar variation 4201727 (VCV004201727.1).